The following is an entry in ClinVar:

NM_000284.4(PDHA1):c.170C>G (p.Thr57Ser)

Gene: PDHA1 (pyruvate dehydrogenase E1 subunit alpha 1; plus strand). Cytogenetic location: Xp22.12.
Variant type: single nucleotide variant.
Coding change: c.170C>G on transcript NM_000284.4 (MANE Select); coding-DNA position 170, C replaced by G.
Protein change: p.Thr57Ser; replaces threonine 57 with serine.
Molecular consequence: missense variant.
Genome position (GRCh38, 1-based): chrX:19,349,989, C>G. VCF-style: chrX-19349989-C-G. GRCh37 (hg19) VCF-style: chrX-19368107-C-G.
Other names: c.284C>G, p.Thr95Ser (NM_001173454.2); c.170C>G, p.Thr57Ser (NM_001173455.2, NM_001173456.2); short protein forms T95S, T57S.
Identifiers: ClinVar variation 4746268 (VCV004746268.1).

ClinVar aggregate classification (germline): Uncertain significance (1 of 4 stars; one submission).

Conditions:
Pyruvate dehydrogenase E1-alpha deficiency (PDHAD). Also called: ATAXIA, INTERMITTENT, WITH PYRUVATE DEHYDROGENASE DEFICIENCY; ATAXIA WITH LACTIC ACIDOSIS I; ATAXIA, INTERMITTENT, WITH ABNORMAL PYRUVATE METABOLISM; Ataxia, intermittent, with pyruvate dehydrogenase, or decarboxylase, deficiency. Identifiers: Orphanet 79243, MedGen C1839413, MONDO:0010717, OMIM 312170.

gnomAD v4.1: 4 of 1,204,807 alleles (0.00033%); highest among the groups gnomAD compares: Non-Finnish European, 0.00045%; no homozygotes.

Submission:

Labcorp Genetics (formerly Invitae), Labcorp
Classification: Uncertain significance for Pyruvate dehydrogenase E1-alpha deficiency. Last evaluated: 2025-04-23. Review status: criteria provided, single submitter. Criteria: Invitae Variant Classification Sherloc (09022015). Collection method: clinical testing. Allele origin: germline.
Comment: This sequence change replaces threonine, which is neutral and polar, with serine, which is neutral and polar, at codon 57 of the PDHA1 protein (p.Thr57Ser). This variant is not present in population databases (gnomAD no frequency). This variant has not been reported in the literature in individuals affected with PDHA1-related conditions. Invitae Evidence Modeling of protein sequence and biophysical properties (such as structural, functional, and spatial information, amino acid conservation, physicochemical variation, residue mobility, and thermodynamic stability) has been performed for this missense variant. However, the output from this modeling did not meet the statistical confidence thresholds required to predict the impact of this variant on PDHA1 protein function. In summary, the available evidence is currently insufficient to determine the role of this variant in disease. Therefore, it has been classified as a Variant of Uncertain Significance.